The following is an entry in ClinVar:

ClinVar aggregate classification (germline): Likely benign. Review status: criteria provided, single submitter (1 of 4 stars). 2 submissions from 2 submitters: Likely benign (1). 1 of the submissions does not count toward it. Last evaluated 2025-05-27.

Conditions:
HNRNPA2B1-related disorder. Also called: HNRNPA2B1-related condition.

Submissions (2):

Mayo Clinic Laboratories, Mayo Clinic
Classification: Likely benign. Last evaluated: 2025-05-27. Review status: criteria provided, single submitter. Criteria: ACMG Guidelines, 2015. Collection method: clinical testing. Allele origin: germline. Observed: 1 variant allele.
Comment: BP4, BP7

PreventionGenetics, part of Exact Sciences
Classification: Likely benign for HNRNPA2B1-related condition. Last evaluated: 2024-08-18. Review status: no assertion criteria provided. Collection method: clinical testing. Allele origin: germline. Not counted in ClinVar's aggregate classification.
Comment: This variant is classified as likely benign based on ACMG/AMP sequence variant interpretation guidelines (Richards et al. 2015 PMID: 25741868, with internal and published modifications).

NM_002137.4(HNRNPA2B1):c.*7del

Gene: HNRNPA2B1 (heterogeneous nuclear ribonucleoprotein A2/B1; minus strand). Cytogenetic location: 7p15.2.
Variant type: Deletion.
Coding change: c.*7del on transcript NM_002137.4 (MANE Select); 7 bases downstream of the stop codon, one base deleted (T; older notation c.*7delT).
Molecular consequence: 3 prime UTR variant.
Genome position (GRCh38, 1-based): chr7:26,192,509, A deleted on the plus strand (T on the coding strand, the reverse complement: HNRNPA2B1 is on the minus strand); the first of 2 consecutive A bases (chr7:26,192,509-26,192,510); deleting either gives the same sequence. VCF-style (leftmost placement, unchanged base first): chr7-26192508-GA-G. GRCh37 (hg19) VCF-style: chr7-26232128-GA-G.
Other names: c.*6delT (NM_031243.4).
Identifiers: ClinVar variation 3351205 (VCV003351205.2).